The following is an entry in ClinVar:

ClinVar aggregate classification (germline): Pathogenic (1 of 4 stars; one submission).

gnomAD v4.1: 2 of 1,612,636 alleles (0.00012%); highest among the groups gnomAD compares: Non-Finnish European, 0.00017%; no homozygotes.

Submission:

Labcorp Genetics (formerly Invitae), Labcorp
Classification: Pathogenic. Last evaluated: 2023-12-14. Review status: criteria provided, single submitter. Criteria: Invitae Variant Classification Sherloc (09022015). Collection method: clinical testing. Allele origin: germline.
Comment: This sequence change creates a premature translational stop signal (p.Trp814*) in the SKIV2L gene. It is expected to result in an absent or disrupted protein product. Loss-of-function variants in SKIV2L are known to be pathogenic (PMID: 22444670). This variant is present in population databases (rs148221996, gnomAD 0.0009%). This premature translational stop signal has been observed in individual(s) with trichohepatoenteric syndrome (PMID: 22444670). For these reasons, this variant has been classified as Pathogenic.

Literature cited by the submitters: PubMed 22444670.

NM_006929.5(SKIC2):c.2442G>A (p.Trp814Ter)

Gene: SKIC2 (SKI2 subunit of superkiller complex; plus strand). Cytogenetic location: 6p21.33.
Variant type: single nucleotide variant.
Coding change: c.2442G>A on transcript NM_006929.5 (MANE Select); coding-DNA position 2442, G replaced by A.
Protein change: p.Trp814Ter; replaces tryptophan 814 with a stop codon.
Molecular consequence: nonsense.
Genome position (GRCh38, 1-based): chr6:31,967,105, G>A. VCF-style: chr6-31967105-G-A. GRCh37 (hg19) VCF-style: chr6-31934882-G-A.
Other names: short protein forms W814*.
Identifiers: ClinVar variation 2734840 (VCV002734840.3), dbSNP rs148221996, ClinGen allele CA3729770.